The following is an entry in ClinVar:

NM_001290060.2(SEMA3B):c.72C>G (p.Ala24=)

Gene: SEMA3B (semaphorin 3B; plus strand). Cytogenetic location: 3p21.31.
Variant type: single nucleotide variant.
Coding change: c.72C>G on transcript NM_001290060.2 (MANE Select); coding-DNA position 72, C replaced by G.
Protein change: p.Ala24=; no amino-acid change (alanine 24 retained).
Molecular consequence: synonymous variant.
Genome position (GRCh38, 1-based): chr3:50,269,312, C>G. VCF-style: chr3-50269312-C-G. GRCh37 (hg19) VCF-style: chr3-50306744-C-G.
Other names: c.72C>G, p.Ala24= (NM_001005914.3, NM_001290061.1, NM_001435956.1 and 3 more transcripts).
Identifiers: ClinVar variation 4981353 (VCV004981353.1).

ClinVar aggregate classification (germline): Likely benign (1 of 4 stars; one submission).

Conditions:
SEMA3B-related disorder. Also called: SEMA3B-related condition.

gnomAD v4.1: 1 of 1,528,730 alleles (0.000065%); highest among the groups gnomAD compares: Non-Finnish European, 0.000088%; no homozygotes.

Submission:

PreventionGenetics, part of Exact Sciences
Classification: Likely benign for SEMA3B-related condition. Last evaluated: 2024-12-08. Review status: criteria provided, single submitter. Criteria: ACMG Guidelines, 2015. Collection method: clinical testing. Allele origin: germline.
Comment: This variant is classified as likely benign based on ACMG/AMP sequence variant interpretation guidelines (Richards et al. 2015 PMID: 25741868, with internal and published modifications).